The following is an entry in ClinVar:

NM_000038.6(APC):c.7565C>A (p.Pro2522Gln)

Gene: APC (APC regulator of Wnt signaling pathway; plus strand). Cytogenetic location: 5q22.2.
Variant type: single nucleotide variant.
Coding change: c.7565C>A on transcript NM_000038.6 (MANE Select); coding-DNA position 7565, C replaced by A.
Protein change: p.Pro2522Gln; replaces proline 2522 with glutamine.
Molecular consequence: missense variant. On other transcripts: non-coding transcript variant (2).
Genome position (GRCh38, 1-based): chr5:112,843,159, C>A. VCF-style: chr5-112843159-C-A. GRCh37 (hg19) VCF-style: chr5-112178856-C-A.
Other names: c.7565C>A, p.Pro2522Gln (NM_001127510.3, NM_001354895.2, NM_001407450.1); c.7511C>A, p.Pro2504Gln (NM_001127511.3); c.7619C>A, p.Pro2540Gln (NM_001354896.2, NM_001407447.1, NM_001407448.1 and 1 more transcripts); c.7595C>A, p.Pro2532Gln (NM_001354897.2); c.7490C>A, p.Pro2497Gln (NM_001354898.2); c.7481C>A, p.Pro2494Gln (NM_001354899.2); c.7442C>A, p.Pro2481Gln (NM_001354900.2); c.7388C>A, p.Pro2463Gln (NM_001354901.2, NM_001407453.1); and 11 more; short protein forms P2532Q, P2550Q, P2396Q, P2421Q, P2439Q, P2481Q, P2494Q, P2515Q.
Identifiers: ClinVar variation 3412367 (VCV003412367.1).

ClinVar aggregate classification (germline): Uncertain significance (1 of 4 stars; one submission).

Conditions:
Hereditary cancer-predisposing syndrome. Also called: Neoplastic Syndromes, Hereditary; Tumor predisposition; Hereditary Cancer Syndrome; Hereditary neoplastic syndrome. Identifiers: Orphanet 140162, MedGen C0027672, MeSH D009386, MONDO:0015356.

gnomAD v4.1: 1 of 1,613,726 alleles (0.000062%); highest among the groups gnomAD compares: Non-Finnish European, 0.000085%; no homozygotes.

Submission:

Ambry Genetics
Classification: Uncertain significance for Hereditary cancer-predisposing syndrome. Last evaluated: 2024-11-17. Review status: criteria provided, single submitter. Criteria: Ambry Variant Classification Scheme 2023. Collection method: clinical testing. Allele origin: germline.
Comment: The p.P2522Q variant (also known as c.7565C>A), located in coding exon 15 of the APC gene, results from a C to A substitution at nucleotide position 7565. The proline at codon 2522 is replaced by glutamine, an amino acid with similar properties. This amino acid position is conserved. In addition, in silico predictors for this gene do not accurately predict pathogenicity. Based on the available evidence, the clinical significance of this variant remains unclear.